The following is an entry in ClinVar:

NM_001250.6(CD40):c.368G>A (p.Arg123His)

Gene: CD40 (CD40 molecule; plus strand). Cytogenetic location: 20q13.12.
Variant type: single nucleotide variant.
Coding change: c.368G>A on transcript NM_001250.6 (MANE Select); coding-DNA position 368, G replaced by A.
Protein change: p.Arg123His; replaces arginine 123 with histidine.
Molecular consequence: missense variant. On other transcripts: non-coding transcript variant (2).
Genome position (GRCh38, 1-based): chr20:46,122,721, G>A. VCF-style: chr20-46122721-G-A. GRCh37 (hg19) VCF-style: chr20-44751360-G-A.
Other names: c.368G>A, p.Arg123His (NM_001302753.2, NM_001322421.2, NM_001322422.2 and 2 more transcripts); short protein forms R123H.
Identifiers: ClinVar variation 1927901 (VCV001927901.29), dbSNP rs751910371, ClinGen allele CA9888450.

ClinVar aggregate classification (germline): Uncertain significance. Review status: criteria provided, multiple submitters, no conflicts (2 of 4 stars). 2 submissions from 2 submitters: Uncertain significance (2). Last evaluated 2023-06-01.

Allele frequency attached by ClinVar (database versions not stated): TOPMed below 0.00001; gnomAD 0.00001; gnomAD exomes 0.00001; ExAC 0.00002.
gnomAD v4.1: 18 of 1,614,020 alleles (0.0011%); highest among the groups gnomAD compares: African/African-American, 0.004%; 1 homozygote.

Submissions (2):

CeGaT Center for Human Genetics Tuebingen
Classification: Uncertain significance. Last evaluated: 2023-06-01. Review status: criteria provided, single submitter. Criteria: CeGaT Center For Human Genetics Tuebingen Variant Classification Criteria Version 2. Collection method: clinical testing. Allele origin: germline. Affected: yes. Observed: 1 variant allele.
Comment: CD40: PM2, BP4

Labcorp Genetics (formerly Invitae), Labcorp
Classification: Uncertain significance. Last evaluated: 2022-06-26. Review status: criteria provided, single submitter. Criteria: Invitae Variant Classification Sherloc (09022015). Collection method: clinical testing. Allele origin: germline.
Comment: This sequence change replaces arginine, which is basic and polar, with histidine, which is basic and polar, at codon 123 of the CD40 protein (p.Arg123His). This variant is present in population databases (rs751910371, gnomAD 0.005%). This variant has not been reported in the literature in individuals affected with CD40-related conditions. Algorithms developed to predict the effect of missense changes on protein structure and function (SIFT, PolyPhen-2, Align-GVGD) all suggest that this variant is likely to be tolerated. In summary, the available evidence is currently insufficient to determine the role of this variant in disease. Therefore, it has been classified as a Variant of Uncertain Significance.